The following is an entry in ClinVar:

NM_000394.4(CRYAA):c.-62G>A

Gene: CRYAA (crystallin alpha A; plus strand). Cytogenetic location: 21q22.3.
Variant type: single nucleotide variant.
Coding change: c.-62G>A on transcript NM_000394.4 (MANE Select); 62 bases upstream of the start codon, G replaced by A.
Molecular consequence: 5 prime UTR variant.
Genome position (GRCh38, 1-based): chr21:43,169,038, G>A. VCF-style: chr21-43169038-G-A. GRCh37 (hg19) VCF-style: chr21-44589148-G-A.
Identifiers: ClinVar variation 1703391 (VCV001703391.2), dbSNP rs151103202, ClinGen allele CA321167253.

ClinVar aggregate classification (germline): Likely benign (1 of 4 stars; one submission).

Allele frequency attached by ClinVar (database versions not stated): 1000 Genomes Project 0.00739; gnomAD 0.00855; 1000 Genomes Project 30x 0.01234.

Submission:

GeneDx
Classification: Likely benign. Last evaluated: 2018-10-01. Review status: criteria provided, single submitter. Criteria: GeneDx Variant Classification Process June 2021. Collection method: clinical testing. Allele origin: germline. Affected: yes.
Comment: See Variant Classification Assertion Criteria.